The following is an entry in ClinVar:

NM_001164508.2(NEB):c.18809del (p.Arg6270fs)

Gene: NEB (nebulin; minus strand). Cytogenetic location: 2q23.3.
Variant type: Deletion.
Coding change: c.18809del on transcript NM_001164508.2 (MANE Select); coding-DNA position 18809, one base deleted (G; older notation c.18809delG).
Protein change: p.Arg6270fs; shifts the reading frame from arginine 6270.
Molecular consequence: frameshift variant.
Genome position (GRCh38, 1-based): chr2:151,562,693, C deleted on the plus strand (G on the coding strand, the reverse complement: NEB is on the minus strand). VCF-style (leftmost placement, unchanged base first): chr2-151562692-TC-T. GRCh37 (hg19) VCF-style: chr2-152419206-TC-T.
Other names: c.18809del, p.Arg6270fs (NM_001271208.2, NM_001164507.2); c.13706del, p.Arg4569fs (NM_004543.5); short protein forms R4569fs, R6270fs.
Identifiers: ClinVar variation 1725115 (VCV001725115.2), dbSNP rs2552190517, ClinGen allele CA2580063940.
Genomic context (GRCh38, chr2:151,562,692, plus strand): 5'-GTTTCGGACGCGTATAACATTGGGTTCTTCCAGAAGAGACGTCCACTGGTGGAAATAGTG[TC>T]GATACTCCAGGTCACTGAGGATGTACTGGCACCTTTTAGCCAGCACGTGATTCATCATGT-3'

ClinVar aggregate classification (germline): Likely pathogenic (1 of 4 stars; one submission).

Conditions:
Nemaline myopathy 2 (NEM2). Also called: Nemaline myopathy 2, autosomal recessive. Identifiers: MedGen C1850569, MONDO:0009725, OMIM 256030.

Submission:

Myriad Genetics, Inc.
Classification: Likely pathogenic for Nemaline myopathy 2. Last evaluated: 2022-03-08. Review status: criteria provided, single submitter. Criteria: Myriad Women's Health Autosomal Recessive and X-Linked Classification Criteria (2021). Collection method: clinical testing. Allele origin: unknown.
Comment: NM_001271208.1(NEB):c.18809delG(R6270Hfs*26) is expected to be pathogenic in the context of NEB-related nemaline myopathy. This variant is predicted to lead to an abnormal or absent protein product due to the creation of a premature termination codon in NEB, a gene where loss-of-function variants are known to be pathogenic. Please note: this variant was assessed in the context of healthy population screening.